The following is an entry in ClinVar:

ClinVar aggregate classification (germline): Uncertain significance (1 of 4 stars; one submission).

Conditions:
Early-infantile DEE. Also called: Early infantile epileptic encephalopathy with suppression bursts; Early infantile epileptic encephalopathy; Ohtahara syndrome. Identifiers: Orphanet 1934, MedGen C0393706, MONDO:0800491.

Submission:

Labcorp Genetics (formerly Invitae), Labcorp
Classification: Uncertain significance for Early-infantile DEE. Last evaluated: 2021-12-23. Review status: criteria provided, single submitter. Criteria: Invitae Variant Classification Sherloc (09022015). Collection method: clinical testing. Allele origin: germline.
Comment: This variant is not present in population databases (gnomAD no frequency). This sequence change replaces leucine, which is neutral and non-polar, with isoleucine, which is neutral and non-polar, at codon 157 of the HCN1 protein (p.Leu157Ile). This variant has not been reported in the literature in individuals affected with HCN1-related conditions. Advanced modeling of protein sequence and biophysical properties (such as structural, functional, and spatial information, amino acid conservation, physicochemical variation, residue mobility, and thermodynamic stability) performed at Invitae indicates that this missense variant is expected to disrupt HCN1 protein function. In summary, the available evidence is currently insufficient to determine the role of this variant in disease. Therefore, it has been classified as a Variant of Uncertain Significance.

NM_021072.4(HCN1):c.469C>A (p.Leu157Ile)

Gene: HCN1 (hyperpolarization activated cyclic nucleotide gated potassium channel 1; minus strand). Cytogenetic location: 5p12.
Variant type: single nucleotide variant.
Coding change: c.469C>A on transcript NM_021072.4 (MANE Select); coding-DNA position 469, C replaced by A.
Protein change: p.Leu157Ile; replaces leucine 157 with isoleucine.
Molecular consequence: missense variant.
Genome position (GRCh38, 1-based): chr5:45,645,565, G>T on the plus strand (C>A on the coding strand, the complement: HCN1 is on the minus strand). VCF-style: chr5-45645565-G-T. GRCh37 (hg19) VCF-style: chr5-45645667-G-T.
Other names: short protein forms L157I.
Identifiers: ClinVar variation 1380415 (VCV001380415.7), dbSNP rs1561230606, ClinGen allele CA359707845.